The following is an entry in ClinVar:

NM_015335.5(MED13L):c.5870G>T (p.Gly1957Val)

Gene: MED13L (mediator complex subunit 13L; minus strand). Cytogenetic location: 12q24.21.
Variant type: single nucleotide variant.
Coding change: c.5870G>T on transcript NM_015335.5 (MANE Select); coding-DNA position 5870, G replaced by T.
Protein change: p.Gly1957Val; replaces glycine 1957 with valine.
Molecular consequence: missense variant.
Genome position (GRCh38, 1-based): chr12:115,972,098, C>A on the plus strand (G>T on the coding strand, the complement: MED13L is on the minus strand). VCF-style: chr12-115972098-C-A. GRCh37 (hg19) VCF-style: chr12-116409903-C-A.
Other names: short protein forms G1957V.
Identifiers: ClinVar variation 3377902 (VCV003377902.1).

ClinVar aggregate classification (germline): Uncertain significance (1 of 4 stars; one submission).

Submission:

GeneDx
Classification: Uncertain significance. Last evaluated: 2024-05-17. Review status: criteria provided, single submitter. Criteria: GeneDx Variant Classification Process June 2021. Collection method: clinical testing. Allele origin: germline. Affected: yes.
Comment: Not observed at significant frequency in large population cohorts (gnomAD); In silico analysis supports that this missense variant has a deleterious effect on protein structure/function; Has not been previously published as pathogenic or benign to our knowledge